The following is an entry in ClinVar:

NM_000369.5(TSHR):c.1931C>T (p.Ala644Val)

Genes: TSHR (thyroid stimulating hormone receptor; plus strand), TSHR-AS1 (TSHR antisense RNA 1; minus strand). Cytogenetic location: 14q31.1.
Variant type: single nucleotide variant.
Coding change: c.1931C>T on transcript NM_000369.5 (MANE Select); coding-DNA position 1931, C replaced by T.
Protein change: p.Ala644Val; replaces alanine 644 with valine.
Molecular consequence: missense variant.
Genome position (GRCh38, 1-based): chr14:81,143,989, C>T. VCF-style: chr14-81143989-C-T. GRCh37 (hg19) VCF-style: chr14-81610333-C-T.
Other names: short protein forms A644V.
Identifiers: ClinVar variation 1694726 (VCV001694726.31), dbSNP rs2140113209, ClinGen allele CA390728937.
Genomic context (GRCh38, chr14:81,143,989, plus strand): 5'-AGAGGATGGCTGTGTTGATCTTCACCGACTTCATATGCATGGCCCCAATCTCATTCTATG[C>T]TCTGTCAGCAATTCTGAACAAGCCTCTCATCACTGTTAGCAACTCCAAAATCTTGCTGGT-3'
Protein context (NP_000360.2, residues 634-654): FICMAPISFY[Ala644Val]LSAILNKPLI

ClinVar aggregate classification (germline): Uncertain significance (1 of 4 stars; one submission).

Submission:

CeGaT Center for Human Genetics Tuebingen
Classification: Uncertain significance. Last evaluated: 2022-04-01. Review status: criteria provided, single submitter. Criteria: CeGaT Center For Human Genetics Tuebingen Variant Classification Criteria Version 2. Collection method: clinical testing. Allele origin: germline. Affected: yes. Observed: 1 variant allele.
Comment: TSHR: PM2